The following is an entry in ClinVar:

ClinVar aggregate classification (germline): Conflicting classifications of pathogenicity. Review status: criteria provided, conflicting classifications (1 of 4 stars). 6 submissions from 6 submitters: Uncertain significance (3); Likely benign (3). Last evaluated 2025-10-09.

Conditions:
Inherited ovarian cancer (without breast cancer).
Hereditary cancer-predisposing syndrome. Also called: Neoplastic Syndromes, Hereditary; Hereditary Cancer Syndrome; Hereditary neoplastic syndrome; Tumor predisposition. Identifiers: Orphanet 140162, MedGen C0027672, MeSH D009386, MONDO:0015356.
Hereditary breast ovarian cancer syndrome. Also called: Hereditary breast and ovarian cancer syndrome; Hereditary breast and/or ovarian cancer syndrome; BRCA1- and BRCA2-Associated Hereditary Breast and Ovarian Cancer; Hereditary breast and ovarian cancer; Breast and ovarian cancer; Hereditary breast and ovarian cancer syndrome (HBOC). Identifiers: Orphanet 145, MedGen C0677776, MeSH D061325, MONDO:0003582. Disease mechanism: loss of function.
Breast-ovarian cancer, familial, susceptibility to, 2 (BROVCA2). Also called: BRCA2 Hereditary Breast and Ovarian Cancer. Identifiers: Orphanet 145, MedGen C2675520, MONDO:0012933, OMIM 612555. Disease mechanism: loss of function.

gnomAD v4.1: 24 of 1,603,004 alleles (0.0015%); highest among the groups gnomAD compares: Non-Finnish European, 0.002%; no homozygotes.

Submissions (6):

Ambry Genetics
Classification: Uncertain significance for Hereditary cancer-predisposing syndrome. Last evaluated: 2025-10-09. Review status: criteria provided, single submitter. Criteria: Ambry Variant Classification Scheme 2023. Collection method: clinical testing. Allele origin: germline.
Comment: The p.N825D variant (also known as c.2473A>G), located in coding exon 10 of the BRCA2 gene, results from an A to G substitution at nucleotide position 2473. The asparagine at codon 825 is replaced by aspartic acid, an amino acid with highly similar properties. This amino acid position is not well conserved in available vertebrate species. In addition, this alteration is predicted to be tolerated by in silico analysis. Based on the available evidence, the clinical significance of this variant remains unclear.

Molecular Pathology, Peter Maccallum Cancer Centre
Classification: Likely benign for Breast-ovarian cancer, familial, susceptibility to, 2. Last evaluated: 2025-02-11. Review status: criteria provided, single submitter. Criteria: ACMG Guidelines, 2015. Collection method: clinical testing. Allele origin: germline. Inheritance: Autosomal dominant inheritance.

Genomics and Molecular Medicine Service, East Genomic Laboratory Hub, NHS Genomic Medicine Service
Classification: Likely benign for Inherited ovarian cancer (without breast cancer). Last evaluated: 2024-07-25. Review status: criteria provided, single submitter. Criteria: ACGS Best Practice Guidelines for Variant Classification in Rare Disease 2020. Collection method: clinical testing. Allele origin: germline. Affected: yes.
Comment: BP1,BP4

University of Washington Department of Laboratory Medicine, University of Washington
Classification: Likely benign for Hereditary cancer-predisposing syndrome. Last evaluated: 2023-03-23. Review status: criteria provided, single submitter. Criteria: Dines et al. (Genet Med. 2020). Collection method: curation. Allele origin: germline.
Comment: Missense variant in a coldspot region where missense variants are very unlikely to be pathogenic (PMID:31911673).

BRCA2 exon 11 coldspot. Reclassification based on statistical prior probability.

Labcorp Genetics (formerly Invitae), Labcorp
Classification: Uncertain significance for Hereditary breast ovarian cancer syndrome. Last evaluated: 2022-12-13. Review status: criteria provided, single submitter. Criteria: Invitae Variant Classification Sherloc (09022015). Collection method: clinical testing. Allele origin: germline.
Comment: In summary, the available evidence is currently insufficient to determine the role of this variant in disease. Therefore, it has been classified as a Variant of Uncertain Significance. Advanced modeling of protein sequence and biophysical properties (such as structural, functional, and spatial information, amino acid conservation, physicochemical variation, residue mobility, and thermodynamic stability) performed at Invitae indicates that this missense variant is not expected to disrupt BRCA2 protein function. ClinVar contains an entry for this variant (Variation ID: 141086). This variant has not been reported in the literature in individuals affected with BRCA2-related conditions. This variant is not present in population databases (gnomAD no frequency). This sequence change replaces asparagine, which is neutral and polar, with aspartic acid, which is acidic and polar, at codon 825 of the BRCA2 protein (p.Asn825Asp).

Color Diagnostics, LLC DBA Color Health
Classification: Uncertain significance for Hereditary cancer-predisposing syndrome. Last evaluated: 2022-08-08. Review status: criteria provided, single submitter. Criteria: ACMG Guidelines, 2015. Collection method: clinical testing. Allele origin: germline.
Comment: This missense variant replaces asparagine with aspartic acid at codon 825 of the BRCA2 protein. Computational prediction suggests that this variant may not impact protein structure and function (internally defined REVEL score threshold <= 0.5, PMID: 27666373). To our knowledge, functional studies have not been reported for this variant. This variant has not been reported in individuals affected with hereditary cancer in the literature and has been reported in 2 unaffected individuals (PMID: 33471991; Leiden Open Variation Database DB-ID BRCA2_001770). This variant has not been identified in the general population by the Genome Aggregation Database (gnomAD). The available evidence is insufficient to determine the role of this variant in disease conclusively. Therefore, this variant is classified as a Variant of Uncertain Significance.

Literature cited by the submitters: PubMed 33471991 (cited by Color Diagnostics, LLC DBA Color Health).

NM_000059.4(BRCA2):c.2473A>G (p.Asn825Asp)

Gene: BRCA2 (BRCA2 DNA repair associated; plus strand). Cytogenetic location: 13q13.1.
Variant type: single nucleotide variant.
Coding change: c.2473A>G on transcript NM_000059.4 (MANE Select); coding-DNA position 2473, A replaced by G.
Protein change: p.Asn825Asp; replaces asparagine 825 with aspartic acid.
Molecular consequence: missense variant.
Genome position (GRCh38, 1-based): chr13:32,336,828, A>G. VCF-style: chr13-32336828-A-G. GRCh37 (hg19) VCF-style: chr13-32910965-A-G.
Other names: short protein forms N825D.
Identifiers: ClinVar variation 141086 (VCV000141086.18), dbSNP rs587781483, ClinGen allele CA015415.